The following is an entry in ClinVar:

NM_000239.3(LYZ):c.244T>C (p.Trp82Arg)

Gene: LYZ (lysozyme; plus strand). Cytogenetic location: 12q15.
Variant type: single nucleotide variant.
Coding change: c.244T>C on transcript NM_000239.3 (MANE Select); coding-DNA position 244, T replaced by C.
Protein change: p.Trp82Arg; replaces tryptophan 82 with arginine.
Molecular consequence: missense variant.
Genome position (GRCh38, 1-based): chr12:69,350,215, T>C. VCF-style: chr12-69350215-T-C. GRCh37 (hg19) VCF-style: chr12-69743995-T-C.
Other names: LYZ, TRP64ARG, T-C; W64R.
Identifiers: ClinVar variation 14376 (VCV000014376.7), dbSNP rs387906536, ClinGen allele CA123906.

ClinVar aggregate classification (germline): Pathogenic. Review status: criteria provided, single submitter (1 of 4 stars). 2 submissions from 2 submitters: Pathogenic (1). 1 of the submissions does not count toward it. Last evaluated 2025-05-28.

Conditions:
Familial visceral amyloidosis, Ostertag type (AMYLD2). Also called: Amyloidosis, hepatic and systemic; Ostertag type amyloidosis; AMYLOIDOSIS, HEREDITARY SYSTEMIC 2; AMYLOIDOSIS VIII; Hereditary Renal Amyloidosis; Familial visceral amyloidosis. Identifiers: Orphanet 85450, MedGen C0268389, MONDO:0007099, OMIM 105200.

Allele frequency attached by ClinVar (database versions not stated): gnomAD exomes below 0.00001.
gnomAD v4.1: 1 of 1,614,144 alleles (0.000062%); highest among the groups gnomAD compares: Non-Finnish European, 0.000085%; no homozygotes.

Submissions (2):

Mayo Clinic Laboratories, Mayo Clinic
Classification: Pathogenic. Last evaluated: 2025-05-28. Review status: criteria provided, single submitter. Criteria: ACMG Guidelines, 2015. Collection method: clinical testing. Allele origin: germline. Observed: 2 variant alleles.
Comment: PP1, PP3, PP4, PM2_supporting, PS1, PS4

OMIM
Classification: Pathogenic for AMYLOIDOSIS, FAMILIAL VISCERAL. Last evaluated: 2002-03-01. Review status: no assertion criteria provided. Collection method: literature only. Allele origin: germline. Not counted in ClinVar's aggregate classification.

Literature cited by the submitters: PubMed 11849445 (cited by Mayo Clinic Laboratories, Mayo Clinic and OMIM); PubMed 12360495 (cited by Mayo Clinic Laboratories, Mayo Clinic); PubMed 15745733 (cited by Mayo Clinic Laboratories, Mayo Clinic); PubMed 21988333 (cited by Mayo Clinic Laboratories, Mayo Clinic); PubMed 24433109 (cited by Mayo Clinic Laboratories, Mayo Clinic); PubMed 25217048 (cited by Mayo Clinic Laboratories, Mayo Clinic); PubMed 35533055 (cited by Mayo Clinic Laboratories, Mayo Clinic).